The following is an entry in ClinVar:

ClinVar aggregate classification (germline): Uncertain significance. Review status: criteria provided, multiple submitters, no conflicts (2 of 4 stars). 2 submissions from 2 submitters: Uncertain significance (2). Last evaluated 2025-12-21.

Conditions:
Charcot-Marie-Tooth disease type 2D (CMT2D). Also called: GARS1 Adolescent- or Early Adult-Onset Hereditary Motor/Sensory Neuropathy (GARS1-HMSN); Charcot-Marie-Tooth Neuropathy Type 2D; CHARCOT-MARIE-TOOTH DISEASE, AXONAL, TYPE 2D; CHARCOT-MARIE-TOOTH DISEASE, NEURONAL, TYPE 2D. Identifiers: Orphanet 99938, MedGen C1832274, MONDO:0011091, OMIM 601472.

Submissions (2):

3billion
Classification: Uncertain significance for Charcot-Marie-Tooth disease type 2D. Last evaluated: 2025-12-21. Review status: criteria provided, single submitter. Criteria: ACMG Guidelines, 2015. Collection method: clinical testing. Allele origin: germline. Affected: yes.
Comment: The variant is not observed in the gnomAD v4.1.0 dataset. Predicted Consequence/Location: Missense variant. Missense changes are a common disease-causing mechanism. In silico tool predictions suggest damaging effect of the variant on gene or gene product [REVEL: 0.92 (>=0.6, sensitivity 0.68 and specificity 0.92)]. The variant has been reported as of uncertain significance (ClinVar ID: VCV003365309). Different missense changes at the same codon have been reported as of uncertain significance (ClinVar ID: VCV001680923). Therefore, this variant is classified as VUS according to the recommendation of ACMG/AMP guideline.

GeneDx
Classification: Uncertain significance. Last evaluated: 2023-12-08. Review status: criteria provided, single submitter. Criteria: GeneDx Variant Classification Process June 2021. Collection method: clinical testing. Allele origin: germline. Affected: yes.
Comment: Not observed at significant frequency in large population cohorts (gnomAD); In silico analysis supports that this missense variant has a deleterious effect on protein structure/function; Has not been previously published as pathogenic or benign to our knowledge; This variant is associated with the following publications: (PMID: 26503042, 26138142, 25168514)

NM_002047.4(GARS1):c.1043T>G (p.Met348Arg)

Gene: GARS1 (glycyl-tRNA synthetase 1; plus strand). Cytogenetic location: 7p14.3.
Variant type: single nucleotide variant.
Coding change: c.1043T>G on transcript NM_002047.4 (MANE Select); coding-DNA position 1043, T replaced by G.
Protein change: p.Met348Arg; replaces methionine 348 with arginine.
Molecular consequence: missense variant.
Genome position (GRCh38, 1-based): chr7:30,615,907, T>G. VCF-style: chr7-30615907-T-G. GRCh37 (hg19) VCF-style: chr7-30655523-T-G.
Other names: c.881T>G, p.Met294Arg (NM_001316772.1); short protein forms M294R, M348R.
Identifiers: ClinVar variation 3365309 (VCV003365309.2).
Genomic context (GRCh38, chr7:30,615,907, plus strand): 5'-TTTTTTGTAGTTAAATATGCAGGTTTATCGCTTACGTTTTTGCTTTCAGAGAATTCACAA[T>G]GGCAGAAATTGAGCACTTTGTAGATCCCAGTGAGAAAGACCACCCCAAGTTCCAGAATGT-3'
Protein context (NP_002038.2, residues 338-358): SGLIRVREFT[Met348Arg]AEIEHFVDPS